The following is an entry in ClinVar:

NM_001103.4(ACTN2):c.710C>T (p.Thr237Ile)

Gene: ACTN2 (actinin alpha 2; plus strand). Cytogenetic location: 1q43.
Variant type: single nucleotide variant.
Coding change: c.710C>T on transcript NM_001103.4 (MANE Select); coding-DNA position 710, C replaced by T.
Protein change: p.Thr237Ile; replaces threonine 237 with isoleucine.
Molecular consequence: missense variant. On other transcripts: non-coding transcript variant (1), intron variant (1).
Genome position (GRCh38, 1-based): chr1:236,735,647, C>T. VCF-style: chr1-236735647-C-T. GRCh37 (hg19) VCF-style: chr1-236898947-C-T.
Other names: c.783+1129C>T (NM_001278343.2); short protein forms T237I.
Identifiers: ClinVar variation 4844184 (VCV004844184.1).

ClinVar aggregate classification (germline): Uncertain significance (1 of 4 stars; one submission).

Conditions:
Cardiovascular phenotype. Identifiers: MedGen CN230736.

gnomAD v4.1: 1 of 1,614,144 alleles (0.000062%); no homozygotes.

Submission:

Ambry Genetics
Classification: Uncertain significance for Cardiovascular phenotype. Last evaluated: 2026-02-14. Review status: criteria provided, single submitter. Criteria: Ambry Variant Classification Scheme 2023. Collection method: clinical testing. Allele origin: germline.
Comment: The p.T237I variant (also known as c.710C>T), located in coding exon 8 of the ACTN2 gene, results from a C to T substitution at nucleotide position 710. The threonine at codon 237 is replaced by isoleucine, an amino acid with similar properties. This amino acid position is conserved. In addition, the in silico prediction for this alteration is inconclusive. Based on the available evidence, the clinical significance of this variant remains unclear.